The following is an entry in ClinVar:

ClinVar aggregate classification (germline): Likely pathogenic (1 of 4 stars; one submission).

Conditions:
Netherton syndrome (NETH). Also called: ERYTHRODERMA, ICHTHYOSIFORM, WITH HYPOTRICHOSIS AND HYPER-IgE; COMEL-NETHERTON SYNDROME; NETHERTON DISEASE. Identifiers: Orphanet 634, MedGen C5574950, MONDO:0009735, OMIM 256500.

Submission:

Next Generation Genetic Polyclinic
Classification: Likely pathogenic for Netherton syndrome. Last evaluated: 2025-05-12. Review status: criteria provided, single submitter. Criteria: ACMG Guidelines, 2015. Collection method: curation. Allele origin: germline. Affected: yes. Observed: 1 variant allele.
Comment: The NM_006846.4:c.1747_1750delAGAG variant in the SPINK5 gene is a four-base-pair deletion that causes a frameshift, likely resulting in a premature stop codon and truncated LEKTI protein. SPINK5 encodes a serine protease inhibitor critical for maintaining skin barrier integrity and immune regulation. Loss-of-function mutations in this gene are associated with Netherton syndrome, a rare autosomal recessive disorder characterized by congenital ichthyosis, hair shaft abnormalities, and atopic diathesis. Although this specific variant is novel, its predicted impact on protein function, inheritance pattern, and alignment with known pathogenic mechanisms strongly support its classification as likely pathogenic. Sanger sequencing confirmed variant presence.

NM_006846.4(SPINK5):c.1750_1753del (p.Glu584fs)

Gene: SPINK5 (serine peptidase inhibitor Kazal type 5; plus strand). Cytogenetic location: 5q32.
Variant type: Microsatellite.
Coding change: c.1750_1753del on transcript NM_006846.4 (MANE Select); coding-DNA positions 1750 to 1753, 4 bases deleted (GAGA; older notation c.1750_1753delGAGA).
Protein change: p.Glu584fs; shifts the reading frame from glutamic acid 584.
Molecular consequence: frameshift variant.
Genome position (GRCh38, 1-based): chr5:148,111,825-148,111,828, GAGA deleted; deleting any 4 consecutive bases within chr5:148,111,822-148,111,828 gives the same sequence; the c. name uses the placement nearest the transcript's 3' end. VCF-style (leftmost placement, unchanged base first): chr5-148111821-CAGAG-C. GRCh37 (hg19) VCF-style: chr5-147491384-CAGAG-C.
Other names: c.1750_1753del, p.Glu584fs (NM_001127698.2, NM_001127699.2); c.1747_1750delAGAG (NM_006846.4); short protein forms E584fs.
Identifiers: ClinVar variation 4071548 (VCV004071548.1).